The following is an entry in ClinVar:

NM_181712.5(KANK4):c.1019G>A (p.Gly340Asp)

Gene: KANK4 (KN motif and ankyrin repeat domains 4; minus strand). Cytogenetic location: 1p31.3.
Variant type: single nucleotide variant.
Coding change: c.1019G>A on transcript NM_181712.5 (MANE Select); coding-DNA position 1019, G replaced by A.
Protein change: p.Gly340Asp; replaces glycine 340 with aspartic acid.
Molecular consequence: missense variant. On other transcripts: intron variant (1).
Genome position (GRCh38, 1-based): chr1:62,274,085, C>T on the plus strand (G>A on the coding strand, the complement: KANK4 is on the minus strand). VCF-style: chr1-62274085-C-T. GRCh37 (hg19) VCF-style: chr1-62739757-C-T.
Other names: c.17-2496G>A (NM_001320269.2); short protein forms G340D.
Identifiers: ClinVar variation 3679874 (VCV003679874.2).
Genomic context (GRCh38, chr1:62,274,085, plus strand): 5'-GTTCTTCCAGACAACTCTCCCTCCAGGGCCGAGACCTGCTGTTTCAGGCTGGAGATGCTG[C>T]CTGGATCCACCCTGGCAAGGCCCAGGCTTTCCTCAGTTACCCTGATGCCAATGCTTCTCA-3'
Protein context (NP_859063.3, residues 330-350): ESLGLARVDP[Gly340Asp]SISSLKQQVS

ClinVar aggregate classification (germline): Uncertain significance (1 of 4 stars; one submission).

Submission:

Labcorp Genetics (formerly Invitae), Labcorp
Classification: Uncertain significance. Last evaluated: 2024-03-06. Review status: criteria provided, single submitter. Criteria: Invitae Variant Classification Sherloc (09022015). Collection method: clinical testing. Allele origin: germline.
Comment: This sequence change replaces glycine, which is neutral and non-polar, with aspartic acid, which is acidic and polar, at codon 340 of the KANK4 protein (p.Gly340Asp). This variant is not present in population databases (gnomAD no frequency). This variant has not been reported in the literature in individuals affected with KANK4-related conditions. Algorithms developed to predict the effect of missense changes on protein structure and function output the following: SIFT: "Not Available"; PolyPhen-2: "Possibly Damaging"; Align-GVGD: "Not Available". The aspartic acid amino acid residue is found in multiple mammalian species, which suggests that this missense change does not adversely affect protein function. In summary, the available evidence is currently insufficient to determine the role of this variant in disease. Therefore, it has been classified as a Variant of Uncertain Significance.